The following is an entry in ClinVar:

ClinVar aggregate classification (germline): Uncertain significance (1 of 4 stars; one submission).

gnomAD v4.1: 13 of 1,613,082 alleles (0.00081%); highest among the groups gnomAD compares: Non-Finnish European, 0.001%; no homozygotes.

Submission:

Women's Health and Genetics/Laboratory Corporation of America, LabCorp
Classification: Uncertain significance. Last evaluated: 2026-01-21. Review status: criteria provided, single submitter. Criteria: LabCorp Variant Classification Summary - May 2015. Collection method: clinical testing. Allele origin: germline.
Comment: Variant summary: STUB1 c.*6C>T is located in the untranslated mRNA region downstream of the termination codon. The variant allele was found at a frequency of 4e-06 in 248286 control chromosomes. The available data on variant occurrences in the general population are insufficient to allow any conclusion about variant significance. To our knowledge, no occurrence of c.*6C>T in individuals affected with STUB1-related conditions and no experimental evidence demonstrating its impact on protein function have been reported. No submitters have cited clinical-significance assessments for this variant to ClinVar. Based on the evidence outlined above, the variant was classified as uncertain significance.

NM_005861.4(STUB1):c.*6C>T

Genes: JMJD8 (jumonji domain containing 8; minus strand), STUB1 (STIP1 homology and U-box containing protein 1; plus strand). Cytogenetic location: 16p13.3.
Variant type: single nucleotide variant.
Coding change: c.*6C>T on transcript NM_005861.4 (MANE Select); 6 bases downstream of the stop codon, C replaced by T.
Molecular consequence: 3 prime UTR variant. On other transcripts: non-coding transcript variant (3).
Genome position (GRCh38, 1-based): chr16:682,495, C>T. VCF-style: chr16-682495-C-T. GRCh37 (hg19) VCF-style: chr16-732495-C-T.
Other names: c.*6C>T (NM_001293197.2); c.*299G>A (NM_001005920.4, NM_001323919.3, NM_001323920.3); c.*333G>A (NM_001323918.3, NM_001323922.3).
Identifiers: ClinVar variation 4689181 (VCV004689181.1).
Genomic context (GRCh38, chr16:682,495, plus strand): 5'-GAAGGAGGTTATTGACGCATTCATCTCTGAGAATGGCTGGGTGGAGGACTACTGAGGTTC[C>T]CTGCCCTACCTGGCGTCCTGGTCCAGGGGAGCCCTGGGCAGAAGCCCCCGGCCCCTATAC-3'